The following is an entry in ClinVar:

ClinVar aggregate classification (germline): Conflicting classifications of pathogenicity. Review status: criteria provided, conflicting classifications (1 of 4 stars). 4 submissions from 4 submitters: Uncertain significance (2); Likely benign (2). Last evaluated 2025-04-07.

Conditions:
Loeys-Dietz syndrome 2 (LDS2). Also called: Marfan syndrome, type 2 (formerly); AORTIC ANEURYSM, FAMILIAL THORACIC 3; Marfan Syndrome type 2; Marfan like connective tissue disorder; MFS 2; MARFAN SYNDROME, TYPE II. Identifiers: Orphanet 284973, Orphanet 558, MedGen C2674574, MONDO:0012427, OMIM 610168.

Allele frequency attached by ClinVar (database versions not stated): gnomAD 0.00007 and 0.00008; ExAC 0.00008; gnomAD exomes 0.00008 and 0.00014; TOPMed 0.00008.
gnomAD v4.1: 207 of 1,614,050 alleles (0.013%); highest among the groups gnomAD compares: Non-Finnish European, 0.016%; no homozygotes.

Submissions (4):

Women's Health and Genetics/Laboratory Corporation of America, LabCorp
Classification: Likely benign. Last evaluated: 2025-04-07. Review status: criteria provided, single submitter. Criteria: LabCorp Variant Classification Summary - May 2015. Collection method: clinical testing. Allele origin: germline.

Labcorp Genetics (formerly Invitae), Labcorp
Classification: Uncertain significance for Loeys-Dietz syndrome 2. Last evaluated: 2025-03-11. Review status: criteria provided, single submitter. Criteria: Invitae Variant Classification Sherloc (09022015). Collection method: clinical testing. Allele origin: germline.
Comment: This sequence change replaces methionine, which is neutral and non-polar, with valine, which is neutral and non-polar, at codon 400 of the TMPO protein (p.Met400Val). This variant is present in population databases (rs771185259, gnomAD 0.01%). This variant has not been reported in the literature in individuals affected with TMPO-related conditions. ClinVar contains an entry for this variant (Variation ID: 202137). Invitae Evidence Modeling of protein sequence and biophysical properties (such as structural, functional, and spatial information, amino acid conservation, physicochemical variation, residue mobility, and thermodynamic stability) indicates that this missense variant is not expected to disrupt TMPO protein function with a negative predictive value of 80%. In summary, the available evidence is currently insufficient to determine the role of this variant in disease. Therefore, it has been classified as a Variant of Uncertain Significance.

Ambry Genetics
Classification: Likely benign. Last evaluated: 2025-01-10. Review status: criteria provided, single submitter. Criteria: Ambry Variant Classification Scheme 2023. Collection method: clinical testing. Allele origin: germline.

GeneDx
Classification: Uncertain significance. Last evaluated: 2024-04-29. Review status: criteria provided, single submitter. Criteria: GeneDx Variant Classification Process June 2021. Collection method: clinical testing. Allele origin: germline. Affected: yes.
Comment: Has not been previously published as pathogenic or benign to our knowledge; In silico analysis indicates that this missense variant does not alter protein structure/function

NM_001032283.3(TMPO):c.565+1617A>G

Gene: TMPO (thymopoietin; plus strand). Cytogenetic location: 12q23.1.
Variant type: single nucleotide variant.
Coding change: c.565+1617A>G on transcript NM_001032283.3 (MANE Select); 1617 bases into the intron after coding-DNA position 565, A replaced by G.
Molecular consequence: intron variant. On other transcripts: missense variant (1).
Genome position (GRCh38, 1-based): chr12:98,533,455, A>G. VCF-style: chr12-98533455-A-G. GRCh37 (hg19) VCF-style: chr12-98927233-A-G.
Other names: p.M400V:ATG>GTG; c.1198A>G, p.Met400Val (NM_003276.2); c.565+1617A>G (NM_001307975.2, NM_001032284.3); short protein forms M400V.
Identifiers: ClinVar variation 202137 (VCV000202137.16), dbSNP rs771185259, ClinGen allele CA308896.